The following is an entry in ClinVar:

NM_013336.4(SEC61A1):c.960G>T (p.Leu320=)

Genes: RUVBL1 (RuvB like AAA ATPase 1; minus strand), SEC61A1 (SEC61 translocon subunit alpha 1; plus strand). Cytogenetic location: 3q21.3.
Variant type: single nucleotide variant.
Coding change: c.960G>T on transcript NM_013336.4 (MANE Select); coding-DNA position 960, G replaced by T.
Protein change: p.Leu320=; no amino-acid change (leucine 320 retained).
Molecular consequence: synonymous variant. On other transcripts: intron variant (1).
Genome position (GRCh38, 1-based): chr3:128,067,136, G>T. VCF-style: chr3-128067136-G-T. GRCh37 (hg19) VCF-style: chr3-127785979-G-T.
Other names: c.978G>T, p.Leu326= (NM_001400328.1); c.801G>T, p.Leu267= (NM_001400329.1); c.940-1916C>A (NM_001319086.1).
Identifiers: ClinVar variation 1584193 (VCV001584193.11), dbSNP rs149610346, ClinGen allele CA2598535.

ClinVar aggregate classification (germline): Benign/Likely benign. Review status: criteria provided, multiple submitters, no conflicts (2 of 4 stars). 4 submissions from 4 submitters: Benign (1); Likely benign (2). 1 of the submissions does not count toward it. Last evaluated 2026-03-31.

Conditions:
SEC61A1-related disorder. Also called: SEC61A1-related condition.

Allele frequency attached by ClinVar (database versions not stated): ESP Exome Variant Server 0.00008; gnomAD 0.00019 and 0.00020; TOPMed 0.00017.
gnomAD v4.1: 362 of 1,614,100 alleles (0.022%); highest among the groups gnomAD compares: Non-Finnish European, 0.029%; no homozygotes.

Submissions (4):

Women's Health and Genetics/Laboratory Corporation of America, LabCorp
Classification: Benign. Last evaluated: 2026-03-31. Review status: criteria provided, single submitter. Criteria: LabCorp Variant Classification Summary - May 2015. Collection method: clinical testing. Allele origin: germline.

Labcorp Genetics (formerly Invitae), Labcorp
Classification: Likely benign. Last evaluated: 2025-10-13. Review status: criteria provided, single submitter. Criteria: Invitae Variant Classification Sherloc (09022015). Collection method: clinical testing. Allele origin: germline.

Blueprint Genetics
Classification: Likely benign. Last evaluated: 2023-05-22. Review status: criteria provided, single submitter. Criteria: ACMG Guidelines, 2015. Collection method: clinical testing. Allele origin: germline.

PreventionGenetics, part of Exact Sciences
Classification: Likely benign for SEC61A1-related condition. Last evaluated: 2024-07-23. Review status: no assertion criteria provided. Collection method: clinical testing. Allele origin: germline. Not counted in ClinVar's aggregate classification.
Comment: This variant is classified as likely benign based on ACMG/AMP sequence variant interpretation guidelines (Richards et al. 2015 PMID: 25741868, with internal and published modifications).